The following is an entry in ClinVar:

ClinVar aggregate classification (germline): Likely benign. Review status: criteria provided, multiple submitters, no conflicts (2 of 4 stars). 3 submissions from 3 submitters: Likely benign (3). Last evaluated 2025-06-23.

Conditions:
Hereditary cancer-predisposing syndrome. Also called: Tumor predisposition; Neoplastic Syndromes, Hereditary; Hereditary neoplastic syndrome; Hereditary Cancer Syndrome. Identifiers: Orphanet 140162, MedGen C0027672, MeSH D009386, MONDO:0015356.
Familial adenomatous polyposis 1 (FAP1). Also called: POLYPOSIS, ADENOMATOUS INTESTINAL; FAMILIAL ADENOMATOUS POLYPOSIS 1, ATTENUATED. Identifiers: MedGen C2713442, MONDO:0021056, OMIM 175100. Disease mechanism: loss of function.

Allele frequency attached by ClinVar (database versions not stated): gnomAD 0.00001.
gnomAD v4.1: 2 of 1,602,750 alleles (0.00012%); highest among the groups gnomAD compares: Admixed American, 0.0017%; no homozygotes.

Submissions (3):

Labcorp Genetics (formerly Invitae), Labcorp
Classification: Likely benign for Familial adenomatous polyposis 1. Last evaluated: 2025-06-23. Review status: criteria provided, single submitter. Criteria: Invitae Variant Classification Sherloc (09022015). Collection method: clinical testing. Allele origin: germline.

Myriad Genetics, Inc.
Classification: Likely benign for Familial adenomatous polyposis 1. Last evaluated: 2024-03-05. Review status: criteria provided, single submitter. Criteria: Myriad Autosomal Dominant, Autosomal Recessive and X-Linked Classification Criteria (2023). Collection method: clinical testing. Allele origin: unknown.
Comment: This variant is considered likely benign. This variant is intronic and is not expected to impact mRNA splicing.

Color Diagnostics, LLC DBA Color Health
Classification: Likely benign for Hereditary cancer-predisposing syndrome. Last evaluated: 2018-01-22. Review status: criteria provided, single submitter. Criteria: ACMG Guidelines, 2015. Collection method: clinical testing. Allele origin: germline.

NM_000038.6(APC):c.1549-20A>C

Gene: APC (APC regulator of Wnt signaling pathway; plus strand). Cytogenetic location: 5q22.2.
Variant type: single nucleotide variant.
Coding change: c.1549-20A>C on transcript NM_000038.6 (MANE Select); 20 bases into the intron before coding-DNA position 1549, A replaced by C.
Molecular consequence: intron variant.
Genome position (GRCh38, 1-based): chr5:112,827,909, A>C. VCF-style: chr5-112827909-A-C. GRCh37 (hg19) VCF-style: chr5-112163606-A-C.
Other names: c.1549-20A>C (NM_001354895.2, NM_001127510.3); c.1579-20A>C (NM_001354897.2); c.1276-20A>C (NM_001354902.2); c.1495-20A>C (NM_001127511.3); c.1474-20A>C (NM_001354898.2); c.1171-20A>C (NM_001354904.2); c.700-20A>C (NM_001354906.2); c.1603-20A>C (NM_001354896.2); and 5 more.
Identifiers: ClinVar variation 631229 (VCV000631229.11), dbSNP rs993325922, ClinGen allele CA124977494.